The following is an entry in ClinVar:

NM_012210.4(TRIM32):c.190del (p.Cys64fs)

Genes: ASTN2 (astrotactin 2; minus strand), TRIM32 (tripartite motif containing 32; plus strand). Cytogenetic location: 9q33.1.
Variant type: Deletion.
Coding change: c.190del on transcript NM_012210.4 (MANE Select); coding-DNA position 190, one base deleted (T; older notation c.190delT).
Protein change: p.Cys64fs; shifts the reading frame from cysteine 64.
Molecular consequence: frameshift variant. On other transcripts: intron variant (3).
Genome position (GRCh38, 1-based): chr9:116,697,932, T deleted; the last of 4 consecutive T bases (chr9:116,697,929-116,697,932); deleting any one gives the same sequence. VCF-style (leftmost placement, unchanged base first): chr9-116697928-CT-C. GRCh37 (hg19) VCF-style: chr9-119460207-CT-C.
Other names: c.190del, p.Cys64fs (NM_001099679.2, NM_001379048.1, NM_001379049.1 and 1 more transcripts); c.2653+27842del (NM_014010.5); c.2794+27842del (NM_001365069.1); c.2806+27842del (NM_001365068.1); short protein forms C64fs.
Identifiers: ClinVar variation 2784570 (VCV002784570.3), dbSNP rs2491057309, ClinGen allele CA2739265013.

ClinVar aggregate classification (germline): Pathogenic (1 of 4 stars; one submission).

Conditions:
Bardet-Biedl syndrome (BBS). Identifiers: Orphanet 110, MedGen C0752166, MONDO:0015229.

Submission:

Labcorp Genetics (formerly Invitae), Labcorp
Classification: Pathogenic for Bardet-Biedl syndrome. Last evaluated: 2022-11-08. Review status: criteria provided, single submitter. Criteria: Invitae Variant Classification Sherloc (09022015). Collection method: clinical testing. Allele origin: germline.
Comment: For these reasons, this variant has been classified as Pathogenic. This variant disrupts a region of the TRIM32 protein in which other variant(s) (p.Val591Met) have been determined to be pathogenic (PMID: 30823891). This suggests that this is a clinically significant region of the protein, and that variants that disrupt it are likely to be disease-causing. This variant has not been reported in the literature in individuals affected with TRIM32-related conditions. This variant is not present in population databases (gnomAD no frequency). This sequence change creates a premature translational stop signal (p.Cys64Alafs*7) in the TRIM32 gene. While this is not anticipated to result in nonsense mediated decay, it is expected to disrupt the last 590 amino acid(s) of the TRIM32 protein.

Literature cited by the submitters: PubMed 30823891.